The following is an entry in ClinVar:

NM_000548.5(TSC2):c.3199G>C (p.Val1067Leu)

Gene: TSC2 (TSC complex subunit 2; plus strand). Cytogenetic location: 16p13.3.
Variant type: single nucleotide variant.
Coding change: c.3199G>C on transcript NM_000548.5 (MANE Select); coding-DNA position 3199, G replaced by C.
Protein change: p.Val1067Leu; replaces valine 1067 with leucine.
Molecular consequence: missense variant.
Genome position (GRCh38, 1-based): chr16:2,079,343, G>C. VCF-style: chr16-2079343-G-C. GRCh37 (hg19) VCF-style: chr16-2129344-G-C.
Other names: c.3067G>C, p.Val1023Leu (NM_001077183.3, NM_001370404.1); c.3199G>C, p.Val1067Leu (NM_001114382.3); c.2959G>C, p.Val987Leu (NM_001318827.2); c.2923G>C, p.Val975Leu (NM_001318829.2); c.2467G>C, p.Val823Leu (NM_001318831.2); c.3100G>C, p.Val1034Leu (NM_001318832.2); c.3070G>C, p.Val1024Leu (NM_001363528.2, NM_001370405.1, NM_021055.3); short protein forms V1067L, V1023L, V1034L, V987L, V1024L, V823L, V975L.
Identifiers: ClinVar variation 467994 (VCV000467994.14), dbSNP rs200681169, ClinGen allele CA044723.

ClinVar aggregate classification (germline): Conflicting classifications of pathogenicity. Review status: criteria provided, conflicting classifications (1 of 4 stars). 4 submissions from 4 submitters: Uncertain significance (3); Benign (1). Last evaluated 2025-04-29.

Conditions:
Isolated focal cortical dysplasia type II (FCORD2). Also called: CORTICAL DYSPLASIA OF TAYLOR; Focal cortical dysplasia type II. Identifiers: Orphanet 268994, MedGen C1846385, MONDO:0011818, OMIM 607341, HP:0032051.
Tuberous sclerosis 2 (TSC2). Identifiers: Orphanet 805, MedGen C1860707, MONDO:0013199, OMIM 613254.
Hereditary cancer-predisposing syndrome. Also called: Hereditary neoplastic syndrome; Neoplastic Syndromes, Hereditary; Tumor predisposition; Hereditary Cancer Syndrome. Identifiers: Orphanet 140162, MedGen C0027672, MeSH D009386, MONDO:0015356.

Allele frequency attached by ClinVar (database versions not stated): ExAC 0.00001; gnomAD 0.00001; gnomAD exomes 0.00001; TOPMed 0.00001; 1000 Genomes Project 30x 0.00016; 1000 Genomes Project 0.00020.
gnomAD v4.1: 6 of 1,613,030 alleles (0.00037%); highest among the groups gnomAD compares: African/African-American, 0.0027%; no homozygotes.

Submissions (4):

Labcorp Genetics (formerly Invitae), Labcorp
Classification: Benign for Tuberous sclerosis 2. Last evaluated: 2025-04-29. Review status: criteria provided, single submitter. Criteria: Invitae Variant Classification Sherloc (09022015). Collection method: clinical testing. Allele origin: germline.

Ambry Genetics
Classification: Uncertain significance for Hereditary cancer-predisposing syndrome. Last evaluated: 2024-03-09. Review status: criteria provided, single submitter. Criteria: Ambry Variant Classification Scheme 2023. Collection method: clinical testing. Allele origin: germline.
Comment: The p.V1067L variant (also known as c.3199G>C), located in coding exon 27 of the TSC2 gene, results from a G to C substitution at nucleotide position 3199. The valine at codon 1067 is replaced by leucine, an amino acid with highly similar properties. This amino acid position is conserved. In addition, this alteration is predicted to be deleterious by in silico analysis. Based on the available evidence, the clinical significance of this alteration remains unclear.

Baylor Genetics
Classification: Uncertain significance for Isolated focal cortical dysplasia type II. Last evaluated: 2023-11-03. Review status: criteria provided, single submitter. Criteria: ACMG Guidelines, 2015. Collection method: clinical testing. Allele origin: unknown.

Breakthrough Genomics
Classification: Uncertain significance. Review status: criteria provided, single submitter. Criteria: ACMG Guidelines, 2015. Collection method: not provided. Allele origin: germline. Inheritance: Autosomal dominant inheritance. Affected: yes.